The following is an entry in ClinVar:

ClinVar aggregate classification (germline): Uncertain significance (1 of 4 stars; one submission).

Conditions:
Hereditary cancer-predisposing syndrome. Also called: Neoplastic Syndromes, Hereditary; Tumor predisposition; Hereditary Cancer Syndrome; Hereditary neoplastic syndrome. Identifiers: Orphanet 140162, MedGen C0027672, MeSH D009386, MONDO:0015356.

Submission:

Ambry Genetics
Classification: Uncertain significance for Hereditary cancer-predisposing syndrome. Last evaluated: 2024-07-18. Review status: criteria provided, single submitter. Criteria: Ambry Variant Classification Scheme 2023. Collection method: clinical testing. Allele origin: germline.
Comment: The p.T184N variant (also known as c.551C>A), located in coding exon 3 of the RET gene, results from a C to A substitution at nucleotide position 551. The threonine at codon 184 is replaced by asparagine, an amino acid with similar properties. This amino acid position is conserved. In addition, this alteration is predicted to be tolerated by in silico analysis. Based on the available evidence, the clinical significance of this variant remains unclear.

NM_020975.6(RET):c.551C>A (p.Thr184Asn)

Gene: RET (ret proto-oncogene; plus strand). Cytogenetic location: 10q11.21.
Variant type: single nucleotide variant.
Coding change: c.551C>A on transcript NM_020975.6 (MANE Select); coding-DNA position 551, C replaced by A.
Protein change: p.Thr184Asn; replaces threonine 184 with asparagine.
Molecular consequence: missense variant. On other transcripts: intron variant (15).
Genome position (GRCh38, 1-based): chr10:43,102,555, C>A. VCF-style: chr10-43102555-C-A. GRCh37 (hg19) VCF-style: chr10-43598003-C-A.
Other names: c.551C>A, p.Thr184Asn (NM_001406743.1, NM_001406744.1, NM_001406759.1 and 14 more transcripts); c.422C>A, p.Thr141Asn (NM_001406761.1, NM_001406762.1, NM_001406764.1 and 4 more transcripts); c.337+1833C>A (NM_001406770.1, NM_001406766.1, NM_001406767.1 and 8 more transcripts); c.74-6476C>A (NM_001406784.1); c.74-9544C>A (NM_001406794.1, NM_001406792.1, NM_001406793.1); short protein forms T141N, T184N.
Identifiers: ClinVar variation 3432235 (VCV003432235.1).